The following is an entry in ClinVar:

ClinVar aggregate classification (germline): Uncertain significance (1 of 4 stars; one submission).

Submission:

GeneDx
Classification: Uncertain significance. Last evaluated: 2019-08-08. Review status: criteria provided, single submitter. Criteria: GeneDx Variant Classification Process June 2021. Collection method: clinical testing. Allele origin: germline. Affected: yes.
Comment: Not observed in large population cohorts (Lek et al., 2016); In silico analysis, which includes protein predictors and evolutionary conservation, supports that this variant does not alter protein structure/function; Has not been previously published as pathogenic or benign to our knowledge

NM_001042681.2(RERE):c.4420A>G (p.Thr1474Ala)

Gene: RERE (arginine-glutamic acid dipeptide repeats; minus strand). Cytogenetic location: 1p36.23.
Variant type: single nucleotide variant.
Coding change: c.4420A>G on transcript NM_001042681.2 (MANE Select); coding-DNA position 4420, A replaced by G.
Protein change: p.Thr1474Ala; replaces threonine 1474 with alanine.
Molecular consequence: missense variant.
Genome position (GRCh38, 1-based): chr1:8,356,166, T>C on the plus strand (A>G on the coding strand, the complement: RERE is on the minus strand). VCF-style: chr1-8356166-T-C. GRCh37 (hg19) VCF-style: chr1-8416226-T-C.
Other names: c.2758A>G, p.Thr920Ala (NM_001042682.2); c.4420A>G, p.Thr1474Ala (NM_012102.4); short protein forms T1474A, T920A.
Identifiers: ClinVar variation 1307326 (VCV001307326.2), dbSNP rs2124354116, ClinGen allele CA338168531.